The following is an entry in ClinVar:

ClinVar aggregate classification (germline): Pathogenic. Review status: reviewed by expert panel (3 of 4 stars). 11 submissions from 11 submitters: Pathogenic (1). 10 of the submissions do not count toward it. Last evaluated 2021-08-11.

Conditions:
HNF1A-related disorder. Also called: HNF1A-related condition.
Monogenic diabetes. Identifiers: Orphanet 183625, MedGen C3888631, MONDO:0015967.
Maturity-onset diabetes of the young (MODY). Also called: Maturity onset diabetes mellitus in young. Identifiers: Orphanet 552, MedGen C0342276, MONDO:0018911, HP:0004904.
Maturity-onset diabetes of the young type 3. Also called: MODY, type III; MODY type 3. Identifiers: Orphanet 552, MedGen C1838100, MeSH C563933, MONDO:0010894, OMIM 600496. Disease mechanism: loss of function.
Type 2 diabetes mellitus. Also called: Type II diabetes mellitus. Identifiers: MedGen C0011860, MeSH D003924, MONDO:0005148, OMIM 125853, HP:0005978.
Type 1 diabetes mellitus 20 (T1D20). Also called: Diabetes mellitus, insulin-dependent, 20. Identifiers: MedGen C2675866, MONDO:0012919, OMIM 612520.
Nonpapillary renal cell carcinoma. Identifiers: Orphanet 422526, MedGen CN074294, MONDO:0007763, OMIM 144700.
Hepatic adenomas, familial. Also called: LIVER CELL ADENOMAS, FAMILIAL; HEPATIC ADENOMA, SOMATIC. Identifiers: MedGen C1840646, MONDO:0007718, OMIM 142330.
Diabetes mellitus type 1 (T1D). Also called: Type I diabetes mellitus; Diabetes Mellitus, Juvenile-Onset. Identifiers: MedGen C0011854, MONDO:0005147, OMIM 222100, HP:0100651.

Allele frequency attached by ClinVar (database versions not stated): gnomAD exomes below 0.00001; ExAC 0.00001.
gnomAD v4.1: 3 of 1,614,242 alleles (0.00019%); highest among the groups gnomAD compares: Non-Finnish European, 0.00025%; no homozygotes.

Submissions 1 to 6 of 11:

ClinGen Monogenic Diabetes Variant Curation Expert Panel
Classification: Pathogenic for Monogenic diabetes. Last evaluated: 2021-08-11. Review status: reviewed by expert panel. Criteria: ClinGen Diabetes ACMG Specifications v1 1. Collection method: curation. Allele origin: germline. Inheritance: Autosomal dominant inheritance.
Comment: The c.392G>A variant in the HNF1 homeobox A gene, HNF1A, causes an amino acid change of arginine to glutamine at codon 131 (p.(R131Q)) of NM_000545.8. This variant has a minor allele frequency of 0.000008795 in the gnomAD v2.1.1 European non-Finnish population and no copies in another subpopulation, which is less than the ClinGen MDEP threshold for PM2_Supporting (≤0.00002 and ≤1 copy in any other subpopulation) (PM2_Supporting). This variant is predicted to be deleterious by computational evidence, with a REVEL score of 0.985, which is greater than the MDEP threshold of 0.70 (PP3), which is supported by functional studies that demonstrated the p.Arg131Gln protein has abnormal nuclear localization and transactivation below 40% of wildtype (PMID: 32910913 and PMID: 10585442) (PS3_Supporting). This variant resides in an amino acid within the HNF1α DNA binding domain that directly binds DNA, which is defined as critical for the protein’s function by the ClinGen MDEP (PM1). This variant was identified in at least 40 unrelated individuals with non- autoimmune and non-absolute/near-absolute insulin-deficient diabetes (PS4; PMID:9287053, PMID:10447526, PMID:894547, PMID:9032114, PMID:1115175, PMID:11315851, PMID:12442290, PMID:162495, PMID:19754856, PMID:2095039, ClinVar ID: 562373, internal lab contributors). This variant segregated with diabetes, with at least 20 informative meioses in 6 families with MODY (PP1_Strong; PMID:10447526, PMID:894547, PMID:9032114, PMID:11315851, internal lab contributors). This variant was identified as a de novo occurrence with confirmed parental relationships in 2 individuals with diabetes, but whose clinical picture is not highly specific for HNF1A-MODY (MODY probability calculator results <50%)(PS2; PMID:24323243). Additionally, at least 2 individuals have a clinical history highly specific for HNF1A-MODY (MODY probability calculator result >50%, negative genetic testing for HNF4A, and sulfonylurea sensitive) (PP4_Moderate; internal lab contributors). Taken together, this evidence supports the classification of this variant as pathogenic for monogenic diabetes. ACMG/AMP criteria applied, as specified by the ClinGen MDEP VCEP: PP1_Strong, PS2, PS4, PP4_Moderate, PM1, PP3, PM2_Supporting, PS3_Supporting.

PreventionGenetics, part of Exact Sciences
Classification: Pathogenic for HNF1A-related condition. Last evaluated: 2026-07-27. Review status: criteria provided, single submitter. Criteria: ACMG Guidelines, 2015. Collection method: clinical testing. Allele origin: germline. Not counted in ClinVar's aggregate classification.
Comment: The HNF1A c.392G>A variant is predicted to result in the amino acid substitution p.Arg131Gln. This variant has been reported in individuals with maturity-onset diabetes of the young (MODY) and segregated with disease in families (see, for example, Yamagata et al. 1996. PubMed ID: 8945470; Cao et al. 2002. PubMed ID: 12442280; Bellanné-Chantelot et al. 2008. PubMed ID: 18003757). It has also been reported de novo in individuals with MODY (Stanik et al. 2014. PubMed ID: 24323243). In vitro experimental studies indicate this variant impacts protein function (Ekholm et al. 2013. PubMed ID: 23607861; Najmi et al. 2017. PubMed ID: 27899486; Supplemental Content, Althari et al. 2020. PubMed ID: 32910913). This variant is reported in 0.00088% of alleles in individuals of European (non-Finnish) descent in gnomAD. This variant has been classified pathogenic by the ClinGen Monogenic Diabetes Variant Curation Expert Panel. Another missense variant affecting the same amino acid (p.Arg131Trp) has also been reported in individuals with MODY (Glucksmann et al. 1997. PubMed ID: 9166684). This variant is interpreted as pathogenic.

Women's Health and Genetics/Laboratory Corporation of America, LabCorp
Classification: Pathogenic for Maturity-onset diabetes of the young. Last evaluated: 2026-03-26. Review status: criteria provided, single submitter. Criteria: LabCorp Variant Classification Summary - May 2015. Collection method: clinical testing. Allele origin: germline. Not counted in ClinVar's aggregate classification.
Comment: Variant summary: HNF1A c.392G>A (p.Arg131Gln) results in a conservative amino acid change in the encoded protein sequence. Algorithms developed to predict the effect of missense changes on protein structure and function are either unavailable or do not agree on the potential impact of this missense change. The variant allele was found at a frequency of 4e-06 in 251390 control chromosomes (gnomAD). c.392G>A has been observed in multiple individuals affected with Maturity Onset Diabetes Of The Young 3 or Diabetes mellitus (e.g. Yamagata_1996, Minniakhmetov_2025). These data indicate that the variant is very likely to be associated with disease. Other variants affecting the same codon have been classified as likely pathogenic/pathogenic by our lab (c.391C>T, p.Arg131Trp; c.391C>G, p.Arg131Gly), supporting the critical relevance of codon 131 to HNF1A protein function. Publications reports experimental evidence evaluating an impact on protein function, finding that the variant impairs HNF1A activity (e.g. Najmi_2017). The following publications have been ascertained in the context of this evaluation (PMID: 12442280, 10027594, 9287053, 9032114, 8945470, 10333057, NOT_FOUND, 16223942, TCF1_021506bw.enlEnd, 10585442, 17924661, 17937063, 11978663, 11315851, 18838325, 18513302, 39859454, 27899486). ClinVar contains an entry for this variant (Variation ID: 562373). Based on the evidence outlined above, the variant was classified as pathogenic.

Labcorp Genetics (formerly Invitae), Labcorp
Classification: Pathogenic. Last evaluated: 2025-09-10. Review status: criteria provided, single submitter. Criteria: Invitae Variant Classification Sherloc (09022015). Collection method: clinical testing. Allele origin: germline. Not counted in ClinVar's aggregate classification.
Comment: This sequence change replaces arginine, which is basic and polar, with glutamine, which is neutral and polar, at codon 131 of the HNF1A protein (p.Arg131Gln). This variant is present in population databases (rs753998395, gnomAD 0.0009%). This missense change has been observed in individual(s) with maturity-onset diabetes of the young (PMID: 8945470). It has also been observed to segregate with disease in related individuals. Invitae Evidence Modeling of clinical and family history, age, sex, and reported ancestry of multiple individuals with this HNF1A variant has been performed. This variant is expected to be pathogenic with a positive predictive value of at least 99%. This is a validated machine learning model that incorporates the clinical features of 42,750 individuals referred to our laboratory for HNF1A testing. ClinVar contains an entry for this variant (Variation ID: 562373). Invitae Evidence Modeling of protein sequence and biophysical properties (such as structural, functional, and spatial information, amino acid conservation, physicochemical variation, residue mobility, and thermodynamic stability) has been performed for this missense variant. However, the output from this modeling did not meet the statistical confidence thresholds required to predict the impact of this variant on HNF1A protein function. Experimental studies have shown that this missense change affects HNF1A function (PMID: 27899486). For these reasons, this variant has been classified as Pathogenic.

Fulgent Genetics
Classification: Pathogenic for Type 2 diabetes mellitus; Hepatic adenomas, familial; Nonpapillary renal cell carcinoma; Diabetes mellitus type 1; Maturity-onset diabetes of the young type 3; Type 1 diabetes mellitus 20. Last evaluated: 2024-01-08. Review status: criteria provided, single submitter. Criteria: ACMG Guidelines, 2015. Collection method: clinical testing. Allele origin: germline. Not counted in ClinVar's aggregate classification.

GeneDx
Classification: Pathogenic. Last evaluated: 2023-10-30. Review status: criteria provided, single submitter. Criteria: GeneDx Variant Classification Process June 2021. Collection method: clinical testing. Allele origin: germline. Affected: yes. Not counted in ClinVar's aggregate classification.
Comment: Published functional studies demonstrate decreased target promoter activity compared to wildtype (PMID: 23607861); Not observed at significant frequency in large population cohorts (gnomAD); In silico analysis supports that this missense variant has a deleterious effect on protein structure/function; This variant is associated with the following publications: (PMID: 24097065, 29927023, 28012402, 21761282, 34462253, 30586318, 25414397, 8945470, 27899486, 28410371, 11058894, 12442280, 18838325, 18513302, 27634015, 19754856, 30754156, 12453420, 17937063, 30754209, 23607861, 22060211, 34108472, 18003757, 36227502, 24323243)

NM_000545.8(HNF1A):c.392G>A (p.Arg131Gln)

Gene: HNF1A (HNF1 homeobox A; plus strand). Cytogenetic location: 12q24.31.
Variant type: single nucleotide variant.
Coding change: c.392G>A on transcript NM_000545.8 (MANE Select); coding-DNA position 392, G replaced by A.
Protein change: p.Arg131Gln; replaces arginine 131 with glutamine.
Molecular consequence: missense variant.
Genome position (GRCh38, 1-based): chr12:120,988,898, G>A. VCF-style: chr12-120988898-G-A. GRCh37 (hg19) VCF-style: chr12-121426701-G-A.
Other names: c.392G>A (NM_000545.6, NM_000545.6); c.392G>A, p.Arg131Gln (NM_001306179.2); short protein forms R131Q.
Identifiers: ClinVar variation 562373 (VCV000562373.20), dbSNP rs753998395, ClinGen allele CA6831746.